The following is an entry in ClinVar:

NM_003002.4(SDHD):c.16A>G (p.Arg6Gly)

Genes: SDHD (succinate dehydrogenase complex subunit D; plus strand), LOC126861339 (BRD4-independent group 4 enhancer GRCh37_chr11:111957035-111958234; plus strand). Cytogenetic location: 11q23.1.
Variant type: single nucleotide variant.
Coding change: c.16A>G on transcript NM_003002.4 (MANE Select); coding-DNA position 16, A replaced by G.
Protein change: p.Arg6Gly; replaces arginine 6 with glycine.
Molecular consequence: missense variant. On other transcripts: non-coding transcript variant (1).
Genome position (GRCh38, 1-based): chr11:112,086,923, A>G. VCF-style: chr11-112086923-A-G. GRCh37 (hg19) VCF-style: chr11-111957647-A-G.
Other names: c.16A>G, p.Arg6Gly (NM_001276503.2, NM_001276504.2, NM_001276506.2); short protein forms R6G.
Identifiers: ClinVar variation 576178 (VCV000576178.6), dbSNP rs11547889, ClinGen allele CA070757.
Genomic context (GRCh38, chr11:112,086,923, plus strand): 5'-AAGTGGTTCCGGGTTGGTGGATGACCTTGAGCCCTCAGGAACGAGATGGCGGTTCTCTGG[A>G]GGCTGAGTGCCGTTTGCGGTGCCCTAGGAGGCCGAGGTGAGGGGTCTTCCCACCCTGAGG-3'
Protein context (NP_002993.1, residues 1-16): MAVLW[Arg6Gly]LSAVCGALGG

ClinVar aggregate classification (germline): Uncertain significance (1 of 4 stars; one submission).

Conditions:
Carney-Stratakis syndrome. Also called: PARAGANGLIOMA AND GASTROINTESTINAL STROMAL TUMOR. Identifiers: Orphanet 97286, MedGen C1847319, MONDO:0011740, OMIM 606864.
Paragangliomas with sensorineural hearing loss. Identifiers: MedGen C1868633.
Pheochromocytoma. Also called: MAX-Related Hereditary Paraganglioma-Pheochromocytoma Syndrome. Identifiers: Orphanet 29072, MedGen C0031511, MONDO:0008233, OMIM 171300, HP:0002666.
Cowden syndrome 3 (CWS3). Identifiers: Orphanet 201, MedGen CN166604, MONDO:0014045.

Allele frequency attached by ClinVar (database versions not stated): gnomAD exomes below 0.00001; ExAC 0.00001.

Submission:

Labcorp Genetics (formerly Invitae), Labcorp
Classification: Uncertain significance for Carney-Stratakis syndrome; Paragangliomas with sensorineural hearing loss; Pheochromocytoma; Cowden syndrome 3. Last evaluated: 2022-10-13. Review status: criteria provided, single submitter. Criteria: Invitae Variant Classification Sherloc (09022015). Collection method: clinical testing. Allele origin: germline.
Comment: In summary, the available evidence is currently insufficient to determine the role of this variant in disease. Therefore, it has been classified as a Variant of Uncertain Significance. Advanced modeling of protein sequence and biophysical properties (such as structural, functional, and spatial information, amino acid conservation, physicochemical variation, residue mobility, and thermodynamic stability) performed at Invitae indicates that this missense variant is not expected to disrupt SDHD protein function. ClinVar contains an entry for this variant (Variation ID: 576178). This variant has not been reported in the literature in individuals affected with SDHD-related conditions. This variant is present in population databases (rs11547889, gnomAD 0.006%). This sequence change replaces arginine, which is basic and polar, with glycine, which is neutral and non-polar, at codon 6 of the SDHD protein (p.Arg6Gly).